The following is an entry in ClinVar:

NM_014795.4(ZEB2):c.3405G>T (p.Glu1135Asp)

Gene: ZEB2 (zinc finger E-box binding homeobox 2; minus strand). Cytogenetic location: 2q22.3.
Variant type: single nucleotide variant.
Coding change: c.3405G>T on transcript NM_014795.4 (MANE Select); coding-DNA position 3405, G replaced by T.
Protein change: p.Glu1135Asp; replaces glutamic acid 1135 with aspartic acid.
Molecular consequence: missense variant.
Genome position (GRCh38, 1-based): chr2:144,389,691, C>A on the plus strand (G>T on the coding strand, the complement: ZEB2 is on the minus strand). VCF-style: chr2-144389691-C-A. GRCh37 (hg19) VCF-style: chr2-145147258-C-A.
Other names: g.144389691 C>A; p.E1135D; p.Glu1135Asp; c.3333G>T, p.Glu1111Asp (NM_001171653.2); short protein forms E1111D, E1135D.
Identifiers: ClinVar variation 3777021 (VCV003777021.1).

ClinVar aggregate classification (germline): Uncertain significance (1 of 4 stars; one submission).

Conditions:
Mowat-Wilson syndrome (MOWS). Also called: Classic Mowat-Wilson Syndrome. Identifiers: Orphanet 2152, MedGen C1856113, MONDO:0009341, OMIM 235730.

gnomAD v4.1: 1 of 1,614,090 alleles (0.000062%); highest among the groups gnomAD compares: Admixed American, 0.0017%; no homozygotes.

Submission:

Centro Nacional de Genética Medica, Administración Nacional de Laboratorios e Institutos de Salud (ANLIS) “Dr. Carlos G Malbrán”
Classification: Uncertain significance for Mowat-Wilson syndrome. Last evaluated: 2024-08-01. Review status: criteria provided, single submitter. Criteria: ACMG Guidelines, 2015. Collection method: research. Allele origin: germline. Affected: yes. Observed: 1 variant allele.
Comment: The genomic variant c.3405G>T (NM_014795.4 | ENST00000627532.2) was found in heterozygosity corresponding to a substitution occurring in the coding sequence of exon 10/10 of the ZEB2 gene. This results in the substitution of the glutamic acid at position 1135, which is a 3-carbon acid residue with a negatively charged R group, for an aspartic acid, a 2-carbon residue with the same acidic nature and R group, that is, smaller (p.Glu1135Asp). This variant is not cataloged in the dbSNP database. The variant is located 59 residues away from the C-terminal 3 zinc finger domain (ranging from residue 999 to 1076) and Heinritz W. et al 2006 reported a missense variant at residue 1119, that is, 43 residues from the C-terminal domain, in a patient with symptoms compatible with Mowat-Wilson syndrome (cleft lip and palate, HSCR, ocular disorders such as hyperopia and astigmatism, epilepsy, intellectual disability and psychomotor retardation, and craniofacial dysmorphisms). This report proposes that variants not directly located on the domain region but adjacent to it could limit its function, based on reports where frameshift variants 3' away from amino acid position 1119 led to the syndrome (Zweier C. et al., 2005; Wilson M. et al., 2003). Gregory-Evans C.Y. et al., 2004, described the first missense variant in ZEB2 at residue 965. Similar to the missense variant described by Heinritz W. et al., 2006, a hypothesis is raised that it involves a dominant-negative effect due to the type of function of the protein and the clinical presentation of patients. However, in both cases, this is a little-explored area and requires more evidence (PM1). The variant found has a very low frequency; it is present in population databases such as GnomAD (6,195e-7) and is not present in ExAc or 1000 Genomes (PM2_Supporting). The gene has low tolerance to missense variants and has a Z-score greater than 3. Most of these variants are pathogenic according to the GnomAD database (PP2). Bioinformatics predictors (Alphamissense, EVE, SIFT, PolyPhen, REVEL) classify the variant as benign (BP4).

Literature cited by the submitters: PubMed 19011757; PubMed 26193487; PubMed 23715323; PubMed 29300384; PubMed 16053902; PubMed 15121779; PubMed 19842203; PubMed 27831545; PubMed 20301585; PubMed 16688751; PubMed 12784289; PubMed 15384097.